The following is an entry in ClinVar:

NM_172107.4(KCNQ2):c.406G>A (p.Val136Met)

Gene: KCNQ2 (potassium voltage-gated channel subfamily Q member 2; minus strand). Cytogenetic location: 20q13.33.
Variant type: single nucleotide variant.
Coding change: c.406G>A on transcript NM_172107.4 (MANE Select); coding-DNA position 406, G replaced by A.
Protein change: p.Val136Met; replaces valine 136 with methionine.
Molecular consequence: missense variant.
Genome position (GRCh38, 1-based): chr20:63,445,346, C>T on the plus strand (G>A on the coding strand, the complement: KCNQ2 is on the minus strand). VCF-style: chr20-63445346-C-T. GRCh37 (hg19) VCF-style: chr20-62076699-C-T.
Other names: c.406G>A, p.Val136Met (NM_001382235.1, NM_001439003.1, NM_001439004.1 and 4 more transcripts); short protein forms V136M.
Identifiers: ClinVar variation 4839067 (VCV004839067.1).

ClinVar aggregate classification (germline): Likely pathogenic (1 of 4 stars; one submission).

Conditions:
Inborn genetic diseases. Identifiers: MedGen C0950123, MeSH D030342.

Submission:

Ambry Genetics
Classification: Likely pathogenic for Inborn genetic diseases. Last evaluated: 2026-01-15. Review status: criteria provided, single submitter. Criteria: Ambry Variant Classification Scheme 2023. Collection method: clinical testing. Allele origin: germline.
Comment: The c.406G>A (p.V136M) alteration is located in exon 3 (coding exon 3) of the KCNQ2 gene. This alteration results from a G to A substitution at nucleotide position 406, causing the valine (V) at amino acid position 136 to be replaced by a methionine (M). for KCNQ2-related neurodevelopmental disorder; however, its clinical significance for KCNQ2-related seizure disorder is uncertain This variant was not reported in population-based cohorts in the Genome Aggregation Database (gnomAD). This amino acid position is highly conserved in available vertebrate species. This missense alteration is located in a region that has a low rate of benign missense variation (Lek, 2016; Firth, 2009). This alteration is predicted to be deleterious by in silico analysis. Based on the available evidence, this alteration is classified as likely pathogenic.